The following is an entry in ClinVar:

NM_014003.4(DHX38):c.605A>G (p.His202Arg)

Gene: DHX38 (DEAH-box helicase 38; plus strand). Cytogenetic location: 16q22.2.
Variant type: single nucleotide variant.
Coding change: c.605A>G on transcript NM_014003.4 (MANE Select); coding-DNA position 605, A replaced by G.
Protein change: p.His202Arg; replaces histidine 202 with arginine.
Molecular consequence: missense variant.
Genome position (GRCh38, 1-based): chr16:72,097,770, A>G. VCF-style: chr16-72097770-A-G. GRCh37 (hg19) VCF-style: chr16-72131669-A-G.
Other names: short protein forms H202R.
Identifiers: ClinVar variation 1399641 (VCV001399641.7), dbSNP rs2144134233, ClinGen allele CA396701832.

ClinVar aggregate classification (germline): Uncertain significance. Review status: criteria provided, multiple submitters, no conflicts (2 of 4 stars). 3 submissions from 3 submitters: Uncertain significance (3). Last evaluated 2024-01-19.

Conditions:
Retinitis pigmentosa 84 (RP84). Identifiers: MedGen C4748725, MONDO:0032604, OMIM 618220.

Allele frequency attached by ClinVar (database versions not stated): gnomAD exomes below 0.00001.
gnomAD v4.1: 3 of 1,613,640 alleles (0.00019%); highest among the groups gnomAD compares: Middle Eastern, 0.017%; no homozygotes.

Submissions (3):

Blueprint Genetics
Classification: Uncertain significance. Last evaluated: 2024-01-19. Review status: criteria provided, single submitter. Criteria: ACMG Guidelines, 2015. Collection method: clinical testing. Allele origin: germline.

Labcorp Genetics (formerly Invitae), Labcorp
Classification: Uncertain significance. Last evaluated: 2023-03-10. Review status: criteria provided, single submitter. Criteria: Invitae Variant Classification Sherloc (09022015). Collection method: clinical testing. Allele origin: germline.
Comment: This sequence change replaces histidine, which is basic and polar, with arginine, which is basic and polar, at codon 202 of the DHX38 protein (p.His202Arg). This variant is not present in population databases (gnomAD no frequency). This variant has not been reported in the literature in individuals affected with DHX38-related conditions. ClinVar contains an entry for this variant (Variation ID: 1399641). An algorithm developed to predict the effect of missense changes on protein structure and function (PolyPhen-2) suggests that this variant¬† is likely to be tolerated. In summary, the available evidence is currently insufficient to determine the role of this variant in disease. Therefore, it has been classified as a Variant of Uncertain Significance.

Fulgent Genetics
Classification: Uncertain significance for Retinitis pigmentosa 84. Last evaluated: 2021-11-02. Review status: criteria provided, single submitter. Criteria: ACMG Guidelines, 2015. Collection method: clinical testing. Allele origin: unknown.